The following is an entry in ClinVar:

ClinVar aggregate classification (germline): Conflicting classifications of pathogenicity. Review status: criteria provided, conflicting classifications (1 of 4 stars). 3 submissions from 3 submitters: Uncertain significance (1); Benign (1). 1 of the submissions does not count toward it. Last evaluated 2025-08-13.

Conditions:
Kabuki syndrome. Also called: Kabuki make-up syndrome; NIIKAWA-KUROKI SYNDROME. Identifiers: Orphanet 2322, MedGen C0796004, MONDO:0016512.
KMT2D-related disorder. Also called: KMT2D-Related Disorders.
Inborn genetic diseases. Identifiers: MedGen C0950123, MeSH D030342.

Allele frequency attached by ClinVar (database versions not stated): gnomAD exomes below 0.00001 and 0.00001; TOPMed below 0.00001; gnomAD 0.00001.
gnomAD v4.1: 17 of 1,613,806 alleles (0.0011%); highest among the groups gnomAD compares: Admixed American, 0.0017%; no homozygotes.

Submissions (3):

Ambry Genetics
Classification: Uncertain significance for Inborn genetic diseases. Last evaluated: 2025-08-13. Review status: criteria provided, single submitter. Criteria: Ambry Variant Classification Scheme 2023. Collection method: clinical testing. Allele origin: germline.

Labcorp Genetics (formerly Invitae), Labcorp
Classification: Benign for Kabuki syndrome. Last evaluated: 2024-10-14. Review status: criteria provided, single submitter. Criteria: Invitae Variant Classification Sherloc (09022015). Collection method: clinical testing. Allele origin: germline.

PreventionGenetics, part of Exact Sciences
Classification: Uncertain significance for KMT2D-related condition. Last evaluated: 2024-03-24. Review status: no assertion criteria provided. Collection method: clinical testing. Allele origin: germline. Not counted in ClinVar's aggregate classification.
Comment: The KMT2D c.3607G>A variant is predicted to result in the amino acid substitution p.Asp1203Asn. To our knowledge, this variant has not been reported in the literature. This variant is reported in 0.0033% of alleles in individuals of South Asian descent in gnomAD. At this time, the clinical significance of this variant is uncertain due to the absence of conclusive functional and genetic evidence.

NM_003482.4(KMT2D):c.3607G>A (p.Asp1203Asn)

Genes: KMT2D (lysine methyltransferase 2D; minus strand), LOC126861520 (CDK7 strongly-dependent group 2 enhancer GRCh37_chr12:49442744-49443943; plus strand). Cytogenetic location: 12q13.12.
Variant type: single nucleotide variant.
Coding change: c.3607G>A on transcript NM_003482.4 (MANE Select); coding-DNA position 3607, G replaced by A.
Protein change: p.Asp1203Asn; replaces aspartic acid 1203 with asparagine.
Molecular consequence: missense variant.
Genome position (GRCh38, 1-based): chr12:49,049,981, C>T on the plus strand (G>A on the coding strand, the complement: KMT2D is on the minus strand). VCF-style: chr12-49049981-C-T. GRCh37 (hg19) VCF-style: chr12-49443764-C-T.
Other names: c.3607G>A (NM_003482.3); short protein forms D1203N.
Identifiers: ClinVar variation 1053600 (VCV001053600.11), dbSNP rs1314762950, ClinGen allele CA384656290.